The following is an entry in ClinVar:

NM_013432.5(TONSL):c.2479G>A (p.Glu827Lys)

Genes: TONSL-AS1 (TONSL antisense RNA 1; plus strand), TONSL (tonsoku like, DNA repair protein; minus strand). Cytogenetic location: 8q24.3.
Variant type: single nucleotide variant.
Coding change: c.2479G>A on transcript NM_013432.5 (MANE Select); coding-DNA position 2479, G replaced by A.
Protein change: p.Glu827Lys; replaces glutamic acid 827 with lysine.
Molecular consequence: missense variant.
Genome position (GRCh38, 1-based): chr8:144,435,954, C>T on the plus strand (G>A on the coding strand, the complement: TONSL is on the minus strand). VCF-style: chr8-144435954-C-T. GRCh37 (hg19) VCF-style: chr8-145661337-C-T.
Other names: short protein forms E827K.
Identifiers: ClinVar variation 1014556 (VCV001014556.5), dbSNP rs1357919581, ClinGen allele CA372654982.
Genomic context (GRCh38, chr8:144,435,954, plus strand): 5'-GGCGGCTGCGGGTCAGGGGCATGTCCAGCTCCAGCCAGTCCCCGGCCAGGCACTCCTCCT[C>T]CGGGATGAGCGCTGCCTGGGGGGCAAGGGCTTTGCTGTGGCCCCGCGGTGGGCCAGGCCC-3'
Protein context (NP_038460.4, residues 817-837): ALAPQAALIP[Glu827Lys]EECLAGDWLE

ClinVar aggregate classification (germline): Uncertain significance (1 of 4 stars; one submission).

Allele frequency attached by ClinVar (database versions not stated): gnomAD exomes below 0.00001; TOPMed below 0.00001; gnomAD 0.00001.

Submission:

Labcorp Genetics (formerly Invitae), Labcorp
Classification: Uncertain significance. Last evaluated: 2023-12-18. Review status: criteria provided, single submitter. Criteria: Invitae Variant Classification Sherloc (09022015). Collection method: clinical testing. Allele origin: germline.
Comment: This sequence change replaces glutamic acid, which is acidic and polar, with lysine, which is basic and polar, at codon 827 of the TONSL protein (p.Glu827Lys). The frequency data for this variant in the population databases is considered unreliable, as metrics indicate poor data quality at this position in the gnomAD database. This variant has not been reported in the literature in individuals affected with TONSL-related conditions. ClinVar contains an entry for this variant (Variation ID: 1014556). Advanced modeling of protein sequence and biophysical properties (such as structural, functional, and spatial information, amino acid conservation, physicochemical variation, residue mobility, and thermodynamic stability) performed at Invitae indicates that this missense variant is expected to disrupt TONSL protein function with a positive predictive value of 80%. In summary, the available evidence is currently insufficient to determine the role of this variant in disease. Therefore, it has been classified as a Variant of Uncertain Significance.